The following is an entry in ClinVar:

ClinVar aggregate classification (germline): not provided (0 of 4 stars; one submission).

Conditions:
Familial long QT syndrome (RWS). Also called: Congenital long QT syndrome; Romano-Ward syndrome; VENTRICULAR FIBRILLATION WITH PROLONGED QT INTERVAL. Identifiers: Orphanet 768, MedGen C1141890, MONDO:0019171.

Submission:

Cardiovascular Biomedical Research Unit, Royal Brompton & Harefield NHS Foundation Trust
No classification provided. Condition: Familial long QT syndrome. Review status: no classification provided. Collection method: literature only. Allele origin: germline.
Comment: This variant has been reported as associated with Long QT syndrome in the following publications (PMID:12442276;PMID:18218237). This is a literature report, and does not necessarily reflect the clinical interpretation of the Imperial College / Royal Brompton Cardiovascular Genetics laboratory.

Literature cited by the submitters: PubMed 12442276; PubMed 18218237; PubMed 22581653.

NM_000238.4(KCNH2):c.1238T>C (p.Leu413Pro)

Gene: KCNH2 (potassium voltage-gated channel subfamily H member 2; minus strand). Cytogenetic location: 7q36.1.
Variant type: single nucleotide variant.
Coding change: c.1238T>C on transcript NM_000238.4 (MANE Select); coding-DNA position 1238, T replaced by C.
Protein change: p.Leu413Pro; replaces leucine 413 with proline.
Molecular consequence: missense variant.
Genome position (GRCh38, 1-based): chr7:150,952,744, A>G on the plus strand (T>C on the coding strand, the complement: KCNH2 is on the minus strand). VCF-style: chr7-150952744-A-G. GRCh37 (hg19) VCF-style: chr7-150649832-A-G.
Other names: c.1238T>C (LRG_288t1); c.218T>C, p.Leu73Pro (NM_001204798.2, NM_172057.3); c.950T>C, p.Leu317Pro (NM_001406753.1, NM_001406756.1); c.1061T>C, p.Leu354Pro (NM_001406755.1); c.938T>C, p.Leu313Pro (NM_001406757.1); c.1238T>C, p.Leu413Pro (NM_172056.3); short protein forms L413P, L73P, L313P, L317P, L354P.
Identifiers: ClinVar variation 67170 (VCV000067170.3), dbSNP rs199472893, ClinGen allele CA004315.
Genomic context (GRCh38, chr7:150,952,744, plus strand): 5'-AGCAGGAAGGCAGCCGAGTAGGGTGTGAAGACAGCCGTGTAGATGACCAGCAGCAGGATG[A>G]GCCAGTCCCACACGGCCTTGAAGGGGCTGTAATGCAGGATGGTCCAGCGGTGGATGCGCG-3'
Protein context (NP_000229.1, residues 403-423): YSPFKAVWDW[Leu413Pro]ILLLVIYTAV